The following is an entry in ClinVar:

ClinVar aggregate classification (germline): Conflicting classifications of pathogenicity. Review status: criteria provided, conflicting classifications (1 of 4 stars). 3 submissions from 3 submitters: Uncertain significance (2); Likely benign (1). Last evaluated 2025-03-13.

Conditions:
Hereditary cancer-predisposing syndrome. Also called: Tumor predisposition; Hereditary neoplastic syndrome; Neoplastic Syndromes, Hereditary; Hereditary Cancer Syndrome. Identifiers: Orphanet 140162, MedGen C0027672, MeSH D009386, MONDO:0015356.
Ataxia-telangiectasia syndrome (AT). Also called: Ataxia-telangiectasia, complementation group D; AT, COMPLEMENTATION GROUP C; ATAXIA-TELANGIECTASIA, COMPLEMENTATION GROUP A; ATAXIA-TELANGIECTASIA, FRESNO VARIANT; Ataxia-telangiectasia; LOUIS-BAR SYNDROME. Identifiers: Orphanet 100, MedGen C0004135, MONDO:0008840, OMIM 208900.

Submissions (3):

Ambry Genetics
Classification: Likely benign for Hereditary cancer-predisposing syndrome. Last evaluated: 2025-03-13. Review status: criteria provided, single submitter. Criteria: Ambry Variant Classification Scheme 2023. Collection method: clinical testing. Allele origin: germline.

GeneDx
Classification: Uncertain significance. Last evaluated: 2024-12-01. Review status: criteria provided, single submitter. Criteria: GeneDx Variant Classification Process June 2021. Collection method: clinical testing. Allele origin: germline. Affected: yes.
Comment: Not observed at significant frequency in large population cohorts (gnomAD); In silico analysis indicates that this missense variant does not alter protein structure/function; Has not been previously published as pathogenic or benign to our knowledge; This variant is associated with the following publications: (PMID: 23532176)

Labcorp Genetics (formerly Invitae), Labcorp
Classification: Uncertain significance for Ataxia-telangiectasia syndrome. Last evaluated: 2022-10-11. Review status: criteria provided, single submitter. Criteria: Invitae Variant Classification Sherloc (09022015). Collection method: clinical testing. Allele origin: germline.
Comment: Algorithms developed to predict the effect of missense changes on protein structure and function output the following: SIFT: "Tolerated"; PolyPhen-2: "Benign"; Align-GVGD: "Class C0". The leucine amino acid residue is found in multiple mammalian species, which suggests that this missense change does not adversely affect protein function. ClinVar contains an entry for this variant (Variation ID: 661938). This variant has not been reported in the literature in individuals affected with ATM-related conditions. This variant is not present in population databases (gnomAD no frequency). This sequence change replaces phenylalanine, which is neutral and non-polar, with leucine, which is neutral and non-polar, at codon 2796 of the ATM protein (p.Phe2796Leu). In summary, the available evidence is currently insufficient to determine the role of this variant in disease. Therefore, it has been classified as a Variant of Uncertain Significance.

NM_000051.4(ATM):c.8386T>C (p.Phe2796Leu)

Genes: ATM (ATM serine/threonine kinase; plus strand), C11orf65 (chromosome 11 open reading frame 65; minus strand). Cytogenetic location: 11q22.3.
Variant type: single nucleotide variant.
Coding change: c.8386T>C on transcript NM_000051.4 (MANE Select); coding-DNA position 8386, T replaced by C.
Protein change: p.Phe2796Leu; replaces phenylalanine 2796 with leucine.
Molecular consequence: missense variant. On other transcripts: intron variant (2).
Genome position (GRCh38, 1-based): chr11:108,343,339, T>C. VCF-style: chr11-108343339-T-C. GRCh37 (hg19) VCF-style: chr11-108214066-T-C.
Other names: c.8386T>C, p.Phe2796Leu (NM_001351834.2); c.641-34268A>G (NM_001330368.2); c.695-8047A>G (NM_001351110.2); short protein forms F2796L.
Identifiers: ClinVar variation 661938 (VCV000661938.14), dbSNP rs1591249094, ClinGen allele CA382516578.